The following is an entry in ClinVar:

NM_001048174.2(MUTYH):c.924T>C (p.Thr308=)

Gene: MUTYH (mutY DNA glycosylase; minus strand). Cytogenetic location: 1p34.1.
Variant type: single nucleotide variant.
Coding change: c.924T>C on transcript NM_001048174.2 (MANE Select); coding-DNA position 924, T replaced by C.
Protein change: p.Thr308=; no amino-acid change (threonine 308 retained).
Molecular consequence: synonymous variant. On other transcripts: non-coding transcript variant (2).
Genome position (GRCh38, 1-based): chr1:45,331,839, A>G on the plus strand (T>C on the coding strand, the complement: MUTYH is on the minus strand). VCF-style: chr1-45331839-A-G. GRCh37 (hg19) VCF-style: chr1-45797511-A-G.
Other names: c.924T>C, p.Thr308= (NM_001048171.2, NM_001048173.2, NM_001293195.2); c.927T>C, p.Thr309= (NM_001048172.2); c.1008T>C, p.Thr336= (NM_001128425.2); c.969T>C, p.Thr323= (NM_001293190.2); c.957T>C, p.Thr319= (NM_001293191.2); c.648T>C, p.Thr216= (NM_001293192.2, NM_001293196.2); c.579T>C, p.Thr193= (NM_001350650.2, NM_001350651.2); c.999T>C, p.Thr333= (NM_012222.3).
Identifiers: ClinVar variation 681433 (VCV000681433.8), dbSNP rs924192790, ClinGen allele CA21836451.

ClinVar aggregate classification (germline): Likely benign. Review status: criteria provided, multiple submitters, no conflicts (2 of 4 stars). 3 submissions from 3 submitters: Likely benign (3). Last evaluated 2022-10-15.

Conditions:
Hereditary cancer-predisposing syndrome. Also called: Tumor predisposition; Neoplastic Syndromes, Hereditary; Hereditary Cancer Syndrome; Hereditary neoplastic syndrome. Identifiers: Orphanet 140162, MedGen C0027672, MeSH D009386, MONDO:0015356.
Familial adenomatous polyposis 2. Also called: COLORECTAL ADENOMATOUS POLYPOSIS, AUTOSOMAL RECESSIVE; ADENOMAS, MULTIPLE COLORECTAL, AUTOSOMAL RECESSIVE; MYH-associated polyposis; MUTYH Polyposis; Adenomas, multiple colorectal; MUTYH-associated polyposis. Identifiers: Orphanet 220460, Orphanet 247798, MedGen C3272841, MONDO:0012041, OMIM 608456.

Allele frequency attached by ClinVar (database versions not stated): TOPMed below 0.00001.

Submissions (3):

Labcorp Genetics (formerly Invitae), Labcorp
Classification: Likely benign for Familial adenomatous polyposis 2. Last evaluated: 2022-10-15. Review status: criteria provided, single submitter. Criteria: Invitae Variant Classification Sherloc (09022015). Collection method: clinical testing. Allele origin: germline.

GeneDx
Classification: Likely benign. Last evaluated: 2018-03-27. Review status: criteria provided, single submitter. Criteria: GeneDx Variant Classification (06012015). Collection method: clinical testing. Allele origin: germline. Affected: yes.
Comment: This variant is considered likely benign or benign based on one or more of the following criteria: it is a conservative change, it occurs at a poorly conserved position in the protein, it is predicted to be benign by multiple in silico algorithms, and/or has population frequency not consistent with disease.

Ambry Genetics
Classification: Likely benign for Hereditary cancer-predisposing syndrome. Last evaluated: 2018-02-26. Review status: criteria provided, single submitter. Criteria: Ambry Variant Classification Scheme 2023. Collection method: clinical testing. Allele origin: germline.